The following is an entry in ClinVar:

NM_052989.3(IFT122):c.2720C>T (p.Ala907Val)

Gene: IFT122 (intraflagellar transport 122; plus strand). Cytogenetic location: 3q22.1.
Variant type: single nucleotide variant.
Coding change: c.2720C>T on transcript NM_052989.3 (MANE Select); coding-DNA position 2720, C replaced by T.
Protein change: p.Ala907Val; replaces alanine 907 with valine.
Molecular consequence: missense variant.
Genome position (GRCh38, 1-based): chr3:129,506,478, C>T. VCF-style: chr3-129506478-C-T. GRCh37 (hg19) VCF-style: chr3-129225321-C-T.
Other names: c.2696C>T, p.Ala899Val (NM_001280541.2); c.2270C>T, p.Ala757Val (NM_001280545.2); c.2093C>T, p.Ala698Val (NM_001280546.2); c.2543C>T, p.Ala848Val (NM_018262.4); c.2873C>T, p.Ala958Val (NM_052985.4); c.2387C>T, p.Ala796Val (NM_052990.3); c.2873C>T (NM_052985.3, NM_052985.2); short protein forms A958V, A899V, A907V, A698V, A757V, A796V, A848V.
Identifiers: ClinVar variation 195782 (VCV000195782.8), dbSNP rs377690924, ClinGen allele CA242372.

ClinVar aggregate classification (germline): Conflicting classifications of pathogenicity. Review status: criteria provided, conflicting classifications (1 of 4 stars). 4 submissions from 4 submitters: Uncertain significance (3); Likely benign (1). Last evaluated 2025-10-07.

Conditions:
Inborn genetic diseases. Identifiers: MedGen C0950123, MeSH D030342.
Cranioectodermal dysplasia 1 (CED1). Also called: LEVIN SYNDROME I. Identifiers: Orphanet 1515, MedGen C0432235, MONDO:0021093, OMIM 218330.

Allele frequency attached by ClinVar (database versions not stated): TOPMed 0.00007; ESP Exome Variant Server 0.00008; gnomAD 0.00004; ExAC 0.00005; gnomAD exomes 0.00006.
gnomAD v4.1: 66 of 1,614,066 alleles (0.0041%); highest among the groups gnomAD compares: South Asian, 0.0088%; no homozygotes.

Submissions (4):

Ambry Genetics
Classification: Likely benign for Inborn genetic diseases. Last evaluated: 2025-10-07. Review status: criteria provided, single submitter. Criteria: Ambry Variant Classification Scheme 2023. Collection method: clinical testing. Allele origin: germline.

GeneDx
Classification: Uncertain significance. Last evaluated: 2024-04-15. Review status: criteria provided, single submitter. Criteria: GeneDx Variant Classification Process June 2021. Collection method: clinical testing. Allele origin: germline. Affected: yes.
Comment: In silico analysis indicates that this missense variant does not alter protein structure/function; Has not been previously published as pathogenic or benign to our knowledge

Fulgent Genetics
Classification: Uncertain significance for Cranioectodermal dysplasia 1. Last evaluated: 2022-03-22. Review status: criteria provided, single submitter. Criteria: ACMG Guidelines, 2015. Collection method: clinical testing. Allele origin: unknown.

Eurofins Ntd Llc (ga)
Classification: Uncertain significance. Last evaluated: 2015-04-22. Review status: criteria provided, single submitter. Criteria: EGL Classification Definitions 2015. Collection method: clinical testing. Allele origin: germline. Observed: 1 variant allele, 1 heterozygote.